The following is an entry in ClinVar:

ClinVar aggregate classification (germline): Uncertain significance. Review status: criteria provided, multiple submitters, no conflicts (2 of 4 stars). 2 submissions from 2 submitters: Uncertain significance (2). Last evaluated 2025-02-27.

Conditions:
Inborn genetic diseases. Identifiers: MedGen C0950123, MeSH D030342.

gnomAD v4.1: 1 of 1,613,878 alleles (0.000062%); highest among the groups gnomAD compares: East Asian, 0.0022%; no homozygotes.

Submissions (2):

Labcorp Genetics (formerly Invitae), Labcorp
Classification: Uncertain significance. Last evaluated: 2025-02-27. Review status: criteria provided, single submitter. Criteria: Invitae Variant Classification Sherloc (09022015). Collection method: clinical testing. Allele origin: germline.
Comment: This sequence change replaces glutamine, which is neutral and polar, with proline, which is neutral and non-polar, at codon 145 of the RETREG1 protein (p.Gln145Pro). This variant is present in population databases (no rsID available, gnomAD 0.006%). This variant has not been reported in the literature in individuals affected with RETREG1-related conditions. ClinVar contains an entry for this variant (Variation ID: 3432320). An algorithm developed to predict the effect of missense changes on protein structure and function (PolyPhen-2) suggests that this variant is likely to be disruptive. In summary, the available evidence is currently insufficient to determine the role of this variant in disease. Therefore, it has been classified as a Variant of Uncertain Significance.

Ambry Genetics
Classification: Uncertain significance for Inborn genetic diseases. Last evaluated: 2024-09-25. Review status: criteria provided, single submitter. Criteria: Ambry Variant Classification Scheme 2023. Collection method: clinical testing. Allele origin: germline.

NM_001034850.3(RETREG1):c.434A>C (p.Gln145Pro)

Gene: RETREG1 (reticulophagy regulator 1; minus strand). Cytogenetic location: 5p15.1.
Variant type: single nucleotide variant.
Coding change: c.434A>C on transcript NM_001034850.3 (MANE Select); coding-DNA position 434, A replaced by C.
Protein change: p.Gln145Pro; replaces glutamine 145 with proline.
Molecular consequence: missense variant.
Genome position (GRCh38, 1-based): chr5:16,565,787, T>G on the plus strand (A>C on the coding strand, the complement: RETREG1 is on the minus strand). VCF-style: chr5-16565787-T-G. GRCh37 (hg19) VCF-style: chr5-16565896-T-G.
Other names: short protein forms Q145P.
Identifiers: ClinVar variation 3432320 (VCV003432320.2).